The following is an entry in ClinVar:

NM_017433.5(MYO3A):c.2954G>A (p.Arg985Lys)

Gene: MYO3A (myosin IIIA; plus strand). Cytogenetic location: 10p12.1.
Variant type: single nucleotide variant.
Coding change: c.2954G>A on transcript NM_017433.5 (MANE Select); coding-DNA position 2954, G replaced by A.
Protein change: p.Arg985Lys; replaces arginine 985 with lysine.
Molecular consequence: missense variant.
Genome position (GRCh38, 1-based): chr10:26,157,470, G>A. VCF-style: chr10-26157470-G-A. GRCh37 (hg19) VCF-style: chr10-26446399-G-A.
Other names: short protein forms R985K.
Identifiers: ClinVar variation 3360977 (VCV003360977.1).

ClinVar aggregate classification (germline): Uncertain significance (1 of 4 stars; one submission).

gnomAD v4.1: 1 of 1,614,114 alleles (0.000062%); highest among the groups gnomAD compares: Non-Finnish European, 0.000085%; no homozygotes.

Submission:

GeneDx
Classification: Uncertain significance. Last evaluated: 2023-07-14. Review status: criteria provided, single submitter. Criteria: GeneDx Variant Classification Process June 2021. Collection method: clinical testing. Allele origin: germline. Affected: yes.
Comment: Not observed at significant frequency in large population cohorts (gnomAD); In silico analysis supports that this missense variant does not alter protein structure/function; Has not been previously published as pathogenic or benign to our knowledge